The following is an entry in ClinVar:

ClinVar aggregate classification (germline): Uncertain significance (1 of 4 stars; one submission).

Conditions:
Hereditary cancer-predisposing syndrome. Also called: Tumor predisposition; Neoplastic Syndromes, Hereditary; Hereditary Cancer Syndrome; Hereditary neoplastic syndrome. Identifiers: Orphanet 140162, MedGen C0027672, MeSH D009386, MONDO:0015356.

gnomAD v4.1: 1 of 1,612,828 alleles (0.000062%); no homozygotes.

Submission:

Ambry Genetics
Classification: Uncertain significance for Hereditary cancer-predisposing syndrome. Last evaluated: 2022-01-15. Review status: criteria provided, single submitter. Criteria: Ambry Variant Classification Scheme 2023. Collection method: clinical testing. Allele origin: germline.
Comment: The p.H1057P variant (also known as c.3170A>C), located in coding exon 21 of the RAD50 gene, results from an A to C substitution at nucleotide position 3170. The histidine at codon 1057 is replaced by proline, an amino acid with similar properties. This amino acid position is conserved. In addition, this alteration is predicted to be tolerated by in silico analysis. Since supporting evidence is limited at this time, the clinical significance of this alteration remains unclear.

NM_005732.4(RAD50):c.3170A>C (p.His1057Pro)

Gene: RAD50 (RAD50 double strand break repair protein; plus strand). Cytogenetic location: 5q31.1.
Variant type: single nucleotide variant.
Coding change: c.3170A>C on transcript NM_005732.4 (MANE Select); coding-DNA position 3170, A replaced by C.
Protein change: p.His1057Pro; replaces histidine 1057 with proline.
Molecular consequence: missense variant.
Genome position (GRCh38, 1-based): chr5:132,618,075, A>C. VCF-style: chr5-132618075-A-C. GRCh37 (hg19) VCF-style: chr5-131953767-A-C.
Other names: short protein forms H1057P.
Identifiers: ClinVar variation 1728426 (VCV001728426.2), dbSNP rs2479388094, ClinGen allele CA360964184.